The following is an entry in ClinVar:

ClinVar aggregate classification (germline): Conflicting classifications of pathogenicity. Review status: criteria provided, conflicting classifications (1 of 4 stars). 5 submissions from 5 submitters: Uncertain significance (1); Likely benign (3). 1 of the submissions does not count toward it. Last evaluated 2025-12-15.

Conditions:
Congenital muscular dystrophy due to integrin alpha-7 deficiency. Also called: MYOPATHY, CONGENITAL, DUE TO INTEGRIN ALPHA-7 DEFICIENCY; Congenital muscular dystrophy with integrin alpha-7 deficiency; Muscular dystrophy, congenital, due to ITGA7 deficiency. Identifiers: Orphanet 34520, MedGen C2750786, MONDO:0013177, OMIM 613204.
ITGA7-related disorder. Also called: ITGA7-related condition.

Allele frequency attached by ClinVar (database versions not stated): gnomAD exomes 0.00005 and 0.00015; ExAC 0.00017; ESP Exome Variant Server 0.00046; gnomAD 0.00059 and 0.00063; TOPMed 0.00069; 1000 Genomes Project 30x 0.00094; 1000 Genomes Project 0.00100.

Submissions (5):

Labcorp Genetics (formerly Invitae), Labcorp
Classification: Likely benign for Congenital muscular dystrophy due to integrin alpha-7 deficiency. Last evaluated: 2025-12-15. Review status: criteria provided, single submitter. Criteria: Invitae Variant Classification Sherloc (09022015). Collection method: clinical testing. Allele origin: germline.

GeneDx
Classification: Uncertain significance. Last evaluated: 2024-11-12. Review status: criteria provided, single submitter. Criteria: GeneDx Variant Classification Process June 2021. Collection method: clinical testing. Allele origin: germline. Affected: yes.
Comment: In silico analysis indicates that this missense variant does not alter protein structure/function; Has not been previously published as pathogenic or benign to our knowledge

Revvity Omics, Revvity
Classification: Likely benign for Congenital muscular dystrophy due to integrin alpha-7 deficiency. Last evaluated: 2024-03-18. Review status: criteria provided, single submitter. Criteria: ACMG Guidelines, 2015. Collection method: clinical testing. Allele origin: germline.

Ambry Genetics
Classification: Likely benign. Last evaluated: 2021-12-13. Review status: criteria provided, single submitter. Criteria: Ambry Variant Classification Scheme 2023. Collection method: clinical testing. Allele origin: germline.

PreventionGenetics, part of Exact Sciences
Classification: Likely benign for ITGA7-related condition. Last evaluated: 2023-06-16. Review status: no assertion criteria provided. Collection method: clinical testing. Allele origin: germline. Not counted in ClinVar's aggregate classification.
Comment: This variant is classified as likely benign based on ACMG/AMP sequence variant interpretation guidelines (Richards et al. 2015 PMID: 25741868, with internal and published modifications).

NM_002206.3(ITGA7):c.340A>G (p.Met114Val)

Gene: ITGA7 (integrin subunit alpha 7; minus strand). Cytogenetic location: 12q13.2.
Variant type: single nucleotide variant.
Coding change: c.340A>G on transcript NM_002206.3 (MANE Select); coding-DNA position 340, A replaced by G.
Protein change: p.Met114Val; replaces methionine 114 with valine.
Molecular consequence: missense variant. On other transcripts: initiator codon variant (2), 5 prime UTR variant (1), intron variant (1).
Genome position (GRCh38, 1-based): chr12:55,702,946, T>C on the plus strand (A>G on the coding strand, the complement: ITGA7 is on the minus strand). VCF-style: chr12-55702946-T-C. GRCh37 (hg19) VCF-style: chr12-56096730-T-C.
Other names: c.340A>G, p.Met114Val (NM_001144996.2, NM_001374465.1, NM_001410977.1 and 6 more transcripts); c.1A>G, p.Met1Val (NM_001367993.1, NM_001414035.1); c.-833A>G (NM_001367994.1); c.86-1530A>G (NM_001144997.2); short protein forms M114V, M1V.
Identifiers: ClinVar variation 537998 (VCV000537998.21), dbSNP rs146565340, ClinGen allele CA6616370.